The following is an entry in ClinVar:

ClinVar aggregate classification (germline): Conflicting classifications of pathogenicity. Review status: criteria provided, conflicting classifications (1 of 4 stars). 4 submissions from 4 submitters: Likely pathogenic (2); Uncertain significance (2). Last evaluated 2026-04-16.

Conditions:
Inborn genetic diseases. Identifiers: MedGen C0950123, MeSH D030342.
Developmental and epileptic encephalopathy, 12 (DEE12). Identifiers: MedGen C3150988, MONDO:0013389, OMIM 613722.

Submissions (4):

Ambry Genetics
Classification: Likely pathogenic for Inborn genetic diseases. Last evaluated: 2026-04-16. Review status: criteria provided, single submitter. Criteria: Ambry Variant Classification Scheme 2023. Collection method: clinical testing. Allele origin: germline.
Comment: The c.1381_1383delAAC (p.N461del) alteration is located in exon 15 (coding exon 14) of the PNKP gene. This alteration consists of an in-frame deletion of 3 nucleotides between nucleotide positions c.1381 and c.1383, resulting in the deletion of 1 residue. This variant was not reported in population-based cohorts in the Genome Aggregation Database (gnomAD). This variant has been identified in the homozygous state and/or in conjunction with other PNKP variant(s) in individual(s) with features consistent with PNKP-related neurologic disorder; in at least one instance, the variants were identified in trans (Abdel-Salam, 2026; external communication). This amino acid position is well conserved in available vertebrate species. This variant is predicted to be deleterious by in silico analysis (Choi, 2012). Based on the available evidence, this alteration is classified as likely pathogenic.

GeneDx
Classification: Likely pathogenic. Last evaluated: 2024-10-28. Review status: criteria provided, single submitter. Criteria: GeneDx Variant Classification Process June 2021. Collection method: clinical testing. Allele origin: germline. Affected: yes.
Comment: Not observed at significant frequency in large population cohorts (gnomAD); In-frame deletion of 1 amino acid(s) in a non-repeat region; In silico analysis supports a deleterious effect on protein structure/function; This variant is associated with the following publications: (PMID: 22508754, 33528536)

Blueprint Genetics
Classification: Uncertain significance. Last evaluated: 2024-02-26. Review status: criteria provided, single submitter. Criteria: ACMG Guidelines, 2015. Collection method: clinical testing. Allele origin: germline.

Labcorp Genetics (formerly Invitae), Labcorp
Classification: Uncertain significance for Developmental and epileptic encephalopathy, 12. Last evaluated: 2022-04-20. Review status: criteria provided, single submitter. Criteria: Invitae Variant Classification Sherloc (09022015). Collection method: clinical testing. Allele origin: germline.
Comment: This variant, c.1381_1383del, results in the deletion of 1 amino acid(s) of the PNKP protein (p.Asn461del), but otherwise preserves the integrity of the reading frame. This variant is not present in population databases (gnomAD no frequency). This variant has not been reported in the literature in individuals affected with PNKP-related conditions. ClinVar contains an entry for this variant (Variation ID: 206430). Experimental studies and prediction algorithms are not available or were not evaluated, and the functional significance of this variant is currently unknown. In summary, the available evidence is currently insufficient to determine the role of this variant in disease. Therefore, it has been classified as a Variant of Uncertain Significance.

Literature cited by the submitters: PubMed 41436176 (cited by Ambry Genetics).

NM_007254.4(PNKP):c.1378AAC[1] (p.Asn461del)

Gene: PNKP (polynucleotide kinase 3'-phosphatase; minus strand). Cytogenetic location: 19q13.33.
Variant type: Microsatellite.
Coding change: c.1378AAC[1] on transcript NM_007254.4 (MANE Select); one copy of the 3-base unit AAC starting at c.1378; the reference has two copies in a row; one copy, 3 bases deleted.
Protein change: p.Asn461del; deletes asparagine 461.
Molecular consequence: inframe deletion.
Genome position (GRCh38, 1-based): chr19:49,861,611-49,861,613, GTT deleted on the plus strand (AAC on the coding strand, the reverse complement: PNKP is on the minus strand); deleting any 3 consecutive bases within chr19:49,861,611-49,861,618 gives the same sequence; the position shown is the placement nearest the transcript's 3' end. VCF-style (leftmost placement, unchanged base first): chr19-49861610-GGTT-G. GRCh37 (hg19) VCF-style: chr19-50364867-GGTT-G.
Other names: c.1381_1383delAAC (NM_007254.3, NM_007254.2); short protein forms N461del.
Identifiers: ClinVar variation 206430 (VCV000206430.14), dbSNP rs796052863, ClinGen allele CA316529.
Genomic context (GRCh38, chr19:49,861,610, plus strand): 5'-GGGGAGGAGGGGGGTCAGGGGGTGCAGCCCGGGGGGTGTCCGGGCTGAGCGGGCTCACCC[GGTT>G]GTTGTGGCGCGCCTGCTCCAGAGTGGCGGTGAAGAGGAAGCAGCGGCAGGGGACGCCCGC-3'